The following is an entry in ClinVar:

ClinVar aggregate classification (germline): Uncertain significance (1 of 4 stars; one submission).

Submission:

Ambry Genetics
Classification: Uncertain significance. Last evaluated: 2024-10-11. Review status: criteria provided, single submitter. Criteria: Ambry Variant Classification Scheme 2023. Collection method: clinical testing. Allele origin: germline.
Comment: The p.A1365T variant (also known as c.4093G>A), located in coding exon 11 of the MLH3 gene, results from a G to A substitution at nucleotide position 4093. The alanine at codon 1365 is replaced by threonine, an amino acid with similar properties. This amino acid position is conserved. In addition, this alteration is predicted to be deleterious by in silico analysis. Based on the available evidence, the clinical significance of this variant remains unclear.

NM_001040108.2(MLH3):c.4093G>A (p.Ala1365Thr)

Gene: MLH3 (mutL homolog 3; minus strand). Cytogenetic location: 14q24.3.
Variant type: single nucleotide variant.
Coding change: c.4093G>A on transcript NM_001040108.2 (MANE Select); coding-DNA position 4093, G replaced by A.
Protein change: p.Ala1365Thr; replaces alanine 1365 with threonine.
Molecular consequence: missense variant.
Genome position (GRCh38, 1-based): chr14:75,018,978, C>T on the plus strand (G>A on the coding strand, the complement: MLH3 is on the minus strand). VCF-style: chr14-75018978-C-T. GRCh37 (hg19) VCF-style: chr14-75485681-C-T.
Other names: c.4021G>A, p.Ala1341Thr (NM_014381.3); short protein forms A1341T, A1365T.
Identifiers: ClinVar variation 3396742 (VCV003396742.1).